The following is an entry in ClinVar:

ClinVar aggregate classification (germline): Uncertain significance (1 of 4 stars; one submission).

Submission:

Labcorp Genetics (formerly Invitae), Labcorp
Classification: Uncertain significance. Last evaluated: 2021-08-12. Review status: criteria provided, single submitter. Criteria: Invitae Variant Classification Sherloc (09022015). Collection method: clinical testing. Allele origin: germline.
Comment: This sequence change replaces leucine with proline at codon 350 of the SCP2 protein (p.Leu350Pro). The leucine residue is highly conserved and there is a moderate physicochemical difference between leucine and proline. This variant has not been reported in the literature in individuals affected with SCP2-related conditions. In summary, the available evidence is currently insufficient to determine the role of this variant in disease. Therefore, it has been classified as a Variant of Uncertain Significance. Algorithms developed to predict the effect of missense changes on protein structure and function (SIFT, PolyPhen-2, Align-GVGD) all suggest that this variant is likely to be disruptive. This variant is not present in population databases (ExAC no frequency).

NM_002979.5(SCP2):c.1049T>C (p.Leu350Pro)

Gene: SCP2 (sterol carrier protein 2; plus strand). Cytogenetic location: 1p32.3.
Variant type: single nucleotide variant.
Coding change: c.1049T>C on transcript NM_002979.5 (MANE Select); coding-DNA position 1049, T replaced by C.
Protein change: p.Leu350Pro; replaces leucine 350 with proline.
Molecular consequence: missense variant.
Genome position (GRCh38, 1-based): chr1:52,988,104, T>C. VCF-style: chr1-52988104-T-C. GRCh37 (hg19) VCF-style: chr1-53453776-T-C.
Other names: c.917T>C, p.Leu306Pro (NM_001007098.3, NM_001193600.2); c.977T>C, p.Leu326Pro (NM_001193599.2); c.806T>C, p.Leu269Pro (NM_001193617.2); c.1049T>C, p.Leu350Pro (NM_001330587.2); short protein forms L269P, L326P, L306P, L350P.
Identifiers: ClinVar variation 1374388 (VCV001374388.6), dbSNP rs2150186662, ClinGen allele CA340383436.
Genomic context (GRCh38, chr1:52,988,104, plus strand): 5'-TGGTTGATAGAGGAGATAATACATATGGAGGAAAGTGGGTCATAAATCCTAGTGGTGGAC[T>C]GATTTCAAAGGGACACCCACTAGGCGCTACAGGTAATGCTACATACAGATTTCATACATT-3'
Protein context (NP_002970.2, residues 340-360): GKWVINPSGG[Leu350Pro]ISKGHPLGAT